The following is an entry in ClinVar:

NM_198576.4(AGRN):c.37C>G (p.Leu13Val)

Gene: AGRN (agrin; plus strand). Cytogenetic location: 1p36.33.
Variant type: single nucleotide variant.
Coding change: c.37C>G on transcript NM_198576.4 (MANE Select); coding-DNA position 37, C replaced by G.
Protein change: p.Leu13Val; replaces leucine 13 with valine.
Molecular consequence: missense variant.
Genome position (GRCh38, 1-based): chr1:1,020,209, C>G. VCF-style: chr1-1020209-C-G. GRCh37 (hg19) VCF-style: chr1-955589-C-G.
Other names: c.37C>G, p.Leu13Val (NM_001305275.2); short protein forms L13V.
Identifiers: ClinVar variation 1414452 (VCV001414452.8), dbSNP rs2100555271, ClinGen allele CA337809531.

ClinVar aggregate classification (germline): Uncertain significance (1 of 4 stars; one submission).

Conditions:
Congenital myasthenic syndrome 8. Also called: MYASTHENIC SYNDROME, CONGENITAL, DUE TO AGRIN DEFICIENCY; Myasthenic syndrome, congenital, 8, with pre- and postsynaptic defects. Identifiers: Orphanet 590, MedGen C3808739, MONDO:0014052, OMIM 615120.

Submission:

Labcorp Genetics (formerly Invitae), Labcorp
Classification: Uncertain significance for Congenital myasthenic syndrome 8. Last evaluated: 2022-03-08. Review status: criteria provided, single submitter. Criteria: Invitae Variant Classification Sherloc (09022015). Collection method: clinical testing. Allele origin: germline.
Comment: Algorithms developed to predict the effect of sequence changes on RNA splicing suggest that this variant may create or strengthen a splice site. In summary, the available evidence is currently insufficient to determine the role of this variant in disease. Therefore, it has been classified as a Variant of Uncertain Significance. This sequence change replaces leucine, which is neutral and non-polar, with valine, which is neutral and non-polar, at codon 13 of the AGRN protein (p.Leu13Val). This variant is not present in population databases (gnomAD no frequency). This variant has not been reported in the literature in individuals affected with AGRN-related conditions. Algorithms developed to predict the effect of missense changes on protein structure and function are either unavailable or do not agree on the potential impact of this missense change (SIFT: "Tolerated"; PolyPhen-2: "Not Available"; Align-GVGD: "Class C0").